The following is an entry in ClinVar:

ClinVar aggregate classification (germline): Conflicting classifications of pathogenicity. Review status: criteria provided, conflicting classifications (1 of 4 stars). 11 submissions from 11 submitters: Uncertain significance (10); Likely benign (1). Last evaluated 2026-02-03.

Conditions:
Familial cancer of breast. Also called: BREAST CANCER, FAMILIAL; Hereditary breast cancer; hereditary breast carcinoma. Identifiers: Orphanet 227535, MedGen C0346153, MONDO:0016419, OMIM 114480. Disease mechanism: loss of function.
BARD1-related disorder. Also called: BARD1-related condition.
Hereditary cancer-predisposing syndrome. Also called: Neoplastic Syndromes, Hereditary; Tumor predisposition; Hereditary Cancer Syndrome; Hereditary neoplastic syndrome. Identifiers: Orphanet 140162, MedGen C0027672, MeSH D009386, MONDO:0015356.

Allele frequency attached by ClinVar (database versions not stated): gnomAD exomes below 0.00001; ExAC 0.00001; TOPMed 0.00004; gnomAD 0.00005.
gnomAD v4.1: 8 of 1,613,948 alleles (0.0005%); highest among the groups gnomAD compares: African/African-American, 0.0093%; no homozygotes.

Submissions (11):

Labcorp Genetics (formerly Invitae), Labcorp
Classification: Uncertain significance for Familial cancer of breast. Last evaluated: 2026-02-03. Review status: criteria provided, single submitter. Criteria: Invitae Variant Classification Sherloc (09022015). Collection method: clinical testing. Allele origin: germline.
Comment: This sequence change replaces lysine, which is basic and polar, with arginine, which is basic and polar, at codon 423 of the BARD1 protein (p.Lys423Arg). This variant is present in population databases (rs749383704, gnomAD 0.003%). This missense change has been observed in individual(s) with breast and/or ovarian cancer (PMID: 32039725, 35534704, 35980532). ClinVar contains an entry for this variant (Variation ID: 187034). An algorithm developed to predict the effect of missense changes on protein structure and function (PolyPhen-2) suggests that this variant is likely to be tolerated. In summary, the available evidence is currently insufficient to determine the role of this variant in disease. Therefore, it has been classified as a Variant of Uncertain Significance.

Quest Diagnostics Nichols Institute San Juan Capistrano
Classification: Uncertain significance. Last evaluated: 2025-07-08. Review status: criteria provided, single submitter. Criteria: Quest Diagnostics criteria. Collection method: clinical testing. Allele origin: unknown.
Comment: The BARD1 c.1268A>G (p.Lys423Arg) variant has been reported in the published literature in individuals with a personal and/or family history of breast and/or ovarian cancer (PMID: 35980532 (2022), 35534704 (2022), 32039725 (2020)). The frequency of this variant in the general population (Genome Aggregation Database) is uninformative in the assessment of its pathogenicity. Analysis of this variant using bioinformatics tools for the prediction of the effect of amino acid changes on protein structure and function yielded predictions that this variant is benign. Based on the available information, we are unable to determine the clinical significance of this variant.

Laboratorio de Genetica e Diagnostico Molecular, Hospital Israelita Albert Einstein
Classification: Uncertain significance for Familial cancer of breast. Last evaluated: 2025-02-07. Review status: criteria provided, single submitter. Criteria: ACMG Guidelines, 2015. Collection method: clinical testing. Allele origin: germline. Affected: yes.
Comment: ACMG classification criteria: PM2 supporting, BP4 supporting

St. Jude Molecular Pathology, St. Jude Children's Research Hospital
Classification: Uncertain significance for Familial cancer of breast. Last evaluated: 2025-02-05. Review status: criteria provided, single submitter. Criteria: St. Jude Assertion Criteria 2020. Collection method: clinical testing. Allele origin: germline.
Comment: The BARD1 c.1268A>G (p.Lys423Arg) missense change has a maximum subpopulation frequency of 0.003% in gnomAD v2.1.1. The in silico tool REVEL predicts a benign effect on protein function, but to our knowledge this prediction has not been confirmed by functional studies. This variant has been reported in an individual with breast and/or ovarian cancer (PMID: 32039725). In summary, the evidence currently available is insufficient to determine the clinical significance of this variant. It has therefore been classified as of uncertain significance.

Ambry Genetics
Classification: Likely benign for Hereditary cancer-predisposing syndrome. Last evaluated: 2024-03-27. Review status: criteria provided, single submitter. Criteria: Ambry Variant Classification Scheme 2023. Collection method: clinical testing. Allele origin: germline.

Baylor Genetics
Classification: Uncertain significance for Familial cancer of breast. Last evaluated: 2023-10-23. Review status: criteria provided, single submitter. Criteria: ACMG Guidelines, 2015. Collection method: clinical testing. Allele origin: unknown.

PreventionGenetics, part of Exact Sciences
Classification: Uncertain significance for BARD1-related condition. Last evaluated: 2023-05-17. Review status: criteria provided, single submitter. Criteria: ACMG Guidelines, 2015. Collection method: clinical testing. Allele origin: germline.
Comment: The BARD1 c.1268A>G variant is predicted to result in the amino acid substitution p.Lys423Arg. This variant has been reported in an individual with clinical suspicion of hereditary breast and/or ovarian cancer (Table 2, da Costa e Silva Carvalho et al. 2020. PubMed ID: 32039725). This variant is reported in 1 of ~251,000 alleles in gnomAD. It is interpreted as uncertain significance in ClinVar. At this time, the clinical significance of this variant is uncertain due to the absence of conclusive functional and genetic evidence.

Sema4
Classification: Uncertain significance for Hereditary cancer-predisposing syndrome. Last evaluated: 2022-03-18. Review status: criteria provided, single submitter. Criteria: Sema4 Curation Guidelines. Collection method: curation. Allele origin: germline.
Comment: The BARD1 c.1268A>G (p.K423R) variant has been reported in an individual with breast cancer (PMID 32039725). This variant was observed in 1/34542 chromosomes in the Latino population, according to the Genome Aggregation Database (PMID 32461654). The variant has been reported in ClinVar (Variation ID 187034). Functional studies have not been performed, and in silico predictions of the variant's effect on protein function are inconclusive. The evidence is insufficient to meet ACMG/AMP criteria for classifying the variant as benign or pathogenic. Thus, the clinical significance of this variant is currently uncertain.

Color Diagnostics, LLC DBA Color Health
Classification: Uncertain significance for Hereditary cancer-predisposing syndrome. Last evaluated: 2020-02-21. Review status: criteria provided, single submitter. Criteria: ACMG Guidelines, 2015. Collection method: clinical testing. Allele origin: germline.
Comment: This missense variant replaces lysine with arginine at codon 423 of the BARD1 protein. Computational prediction suggests that this variant may not impact protein structure and function (internally defined REVEL score threshold <= 0.5, PMID: 27666373). Splice site prediction tools suggest that this variant may not impact RNA splicing. To our knowledge, functional studies have not been reported for this variant. This variant has been reported in an individual affected with hereditary breast and ovarian cancer (PMID: 32039725). This variant has been identified in 1/250918 chromosomes in the general population by the Genome Aggregation Database (gnomAD). The available evidence is insufficient to determine the role of this variant in disease conclusively. Therefore, this variant is classified as a Variant of Uncertain Significance.

Mendelics
Classification: Uncertain significance for Familial cancer of breast. Last evaluated: 2018-07-02. Review status: criteria provided, single submitter. Criteria: Mendelics Assertion Criteria 2017. Collection method: clinical testing. Allele origin: unknown.

GeneDx
Classification: Uncertain significance. Last evaluated: 2017-08-23. Review status: criteria provided, single submitter. Criteria: GeneDx Variant Classification (06012015). Collection method: clinical testing. Allele origin: germline. Affected: yes.
Comment: This variant is denoted BARD1 c.1268A>G at the cDNA level, p.Lys423Arg (K423R) at the protein level, and results in the change of a Lysine to an Arginine (AAA>AGA). This variant has not, to our knowledge, been published in the literature as pathogenic or benign. BARD1 Lys423Arg was not observed at a significant allele frequency in large population cohorts (NHLBI Exome Sequencing Project, The 1000 Genomes Consortium 2015, Lek 2016). Since Lysine and Arginine share similar properties, this is considered a conservative amino acid substitution. BARD1 Lys423Arg occurs at a position where amino acids with properties similar to Lysine are tolerated across species and is not located in a known functional domain. In silico analyses are inconsistent regarding the effect this variant may have on protein structure and function. Based on currently available evidence, it is unclear whether BARD1 Lys423Arg is a pathogenic or benign variant. We consider it to be a variant of uncertain significance.

Literature cited by the submitters: PubMed 32039725 (cited by 4 submitters); PubMed 35534704 (cited by Labcorp Genetics (formerly Invitae), Labcorp and Quest Diagnostics Nichols Institute San Juan Capistrano); PubMed 35980532 (cited by Labcorp Genetics (formerly Invitae), Labcorp and Quest Diagnostics Nichols Institute San Juan Capistrano); PubMed 32832836 (cited by Quest Diagnostics Nichols Institute San Juan Capistrano).

NM_000465.4(BARD1):c.1268A>G (p.Lys423Arg)

Gene: BARD1 (BRCA1 associated RING domain 1; minus strand). Cytogenetic location: 2q35.
Variant type: single nucleotide variant.
Coding change: c.1268A>G on transcript NM_000465.4 (MANE Select); coding-DNA position 1268, A replaced by G.
Protein change: p.Lys423Arg; replaces lysine 423 with arginine.
Molecular consequence: missense variant. On other transcripts: non-coding transcript variant (2), intron variant (3).
Genome position (GRCh38, 1-based): chr2:214,780,606, T>C on the plus strand (A>G on the coding strand, the complement: BARD1 is on the minus strand). VCF-style: chr2-214780606-T-C. GRCh37 (hg19) VCF-style: chr2-215645330-T-C.
Other names: c.1211A>G, p.Lys404Arg (NM_001282543.2); c.159-28051A>G (NM_001282548.2); c.215+16455A>G (NM_001282545.2); c.364+11691A>G (NM_001282549.2); short protein forms K423R, K404R.
Identifiers: ClinVar variation 187034 (VCV000187034.26), dbSNP rs749383704, ClinGen allele CA196559.